The following is an entry in ClinVar:

NM_003797.5(EED):c.28C>G (p.Pro10Ala)

Gene: EED (embryonic ectoderm development; plus strand). Cytogenetic location: 11q14.2.
Variant type: single nucleotide variant.
Coding change: c.28C>G on transcript NM_003797.5 (MANE Select); coding-DNA position 28, C replaced by G.
Protein change: p.Pro10Ala; replaces proline 10 with alanine.
Molecular consequence: missense variant.
Genome position (GRCh38, 1-based): chr11:86,245,257, C>G. VCF-style: chr11-86245257-C-G. GRCh37 (hg19) VCF-style: chr11-85956299-C-G.
Other names: c.28C>G, p.Pro10Ala (NM_001308007.2, NM_001330334.2, NM_001440586.1 and 15 more transcripts); short protein forms P10A.
Identifiers: ClinVar variation 5020385 (VCV005020385.1).
Genomic context (GRCh38, chr11:86,245,257, plus strand): 5'-AGGCGGCAGGAACCTGGAGGGAGGCGGAGGAATATGTCCGAGAGGGAAGTGTCGACTGCG[C>G]CGGCGGGAACAGACATGCCTGCGGCCAAGAAGCAGAAGCTGAGCAGTGACGAGAACAGCA-3'
Protein context (NP_003788.2, residues 1-20): MSEREVSTA[Pro10Ala]AGTDMPAAKK

ClinVar aggregate classification (germline): Uncertain significance (1 of 4 stars; one submission).

gnomAD v4.1: 1 of 1,613,200 alleles (0.000062%); highest among the groups gnomAD compares: Non-Finnish European, 0.000085%; no homozygotes.

Submission:

Dasa
Classification: Uncertain significance. Last evaluated: 2026-06-13. Review status: criteria provided, single submitter. Criteria: DASA Assertion Criteria. Collection method: clinical testing. Allele origin: germline.
Comment: NM_003797.5(EED):c.28C>G (p.Pro10Ala) is a missense variant that results in the substitution of proline with alanine. This variant is rare in population databases. Computational prediction algorithms are consistent with a benign effect. The currently available literature and clinical evidence are not sufficient to establish a definitive association between this variant and the reported condition. Therefore, this variant is classified as a variant of uncertain significance.